The following is an entry in ClinVar:

NM_004484.4(GPC3):c.257G>A (p.Arg86Gln)

Gene: GPC3 (glypican 3; minus strand). Cytogenetic location: Xq26.2.
Variant type: single nucleotide variant.
Coding change: c.257G>A on transcript NM_004484.4 (MANE Select); coding-DNA position 257, G replaced by A.
Protein change: p.Arg86Gln; replaces arginine 86 with glutamine.
Molecular consequence: missense variant. On other transcripts: intron variant (1).
Genome position (GRCh38, 1-based): chrX:133,953,130, C>T on the plus strand (G>A on the coding strand, the complement: GPC3 is on the minus strand). VCF-style: chrX-133953130-C-T. GRCh37 (hg19) VCF-style: chrX-133087157-C-T.
Other names: c.257G>A, p.Arg86Gln (NM_001164617.2, NM_001164618.2); c.175+32145G>A (NM_001164619.2); short protein forms R86Q.
Identifiers: ClinVar variation 543084 (VCV000543084.12), dbSNP rs1158430569, ClinGen allele CA414707442.

ClinVar aggregate classification (germline): Uncertain significance. Review status: criteria provided, multiple submitters, no conflicts (2 of 4 stars). 2 submissions from 2 submitters: Uncertain significance (2). Last evaluated 2024-01-16.

Conditions:
Wilms tumor 1 (WT1). Also called: Wilms tumor, somatic. Identifiers: Orphanet 654, MedGen CN033288, MONDO:0008679, OMIM 194070.
Simpson-Golabi-Behmel syndrome type 1 (SGBS1). Also called: GPC3-Related Simpson-Golabi-Behmel Syndrome Type 1; BULLDOG SYNDROME; DYSPLASIA GIGANTISM SYNDROME, X-LINKED; GOLABI-ROSEN SYNDROME; SIMPSON DYSMORPHIA SYNDROME. Identifiers: Orphanet 373, MedGen C0796154, MONDO:0020602, OMIM 312870.

Allele frequency attached by ClinVar (database versions not stated): TOPMed 0.00001; gnomAD exomes 0.00002; gnomAD 0.00003.
gnomAD v4.1: 23 of 1,204,096 alleles (0.0019%); highest among the groups gnomAD compares: East Asian, 0.003%; no homozygotes.

Submissions (2):

Fulgent Genetics
Classification: Uncertain significance for Wilms tumor 1; Simpson-Golabi-Behmel syndrome type 1. Last evaluated: 2024-01-16. Review status: criteria provided, single submitter. Criteria: ACMG Guidelines, 2015. Collection method: clinical testing. Allele origin: germline.

Labcorp Genetics (formerly Invitae), Labcorp
Classification: Uncertain significance for Wilms tumor 1. Last evaluated: 2023-11-17. Review status: criteria provided, single submitter. Criteria: Invitae Variant Classification Sherloc (09022015). Collection method: clinical testing. Allele origin: germline.
Comment: This sequence change replaces arginine, which is basic and polar, with glutamine, which is neutral and polar, at codon 86 of the GPC3 protein (p.Arg86Gln). This variant is present in population databases (no rsID available, gnomAD 0.008%). This variant has not been reported in the literature in individuals affected with GPC3-related conditions. ClinVar contains an entry for this variant (Variation ID: 543084). Advanced modeling of protein sequence and biophysical properties (such as structural, functional, and spatial information, amino acid conservation, physicochemical variation, residue mobility, and thermodynamic stability) performed at Invitae indicates that this missense variant is not expected to disrupt GPC3 protein function with a negative predictive value of 80%. In summary, the available evidence is currently insufficient to determine the role of this variant in disease. Therefore, it has been classified as a Variant of Uncertain Significance.